The following is an entry in ClinVar:

ClinVar aggregate classification (germline): Pathogenic (1 of 4 stars; one submission).

Conditions:
Very long chain acyl-CoA dehydrogenase deficiency (ACADVLD). Also called: Very Long-Chain Acyl-Coenzyme A Dehydrogenase Deficiency; VLCAD Deficiency. Identifiers: Orphanet 26793, MedGen C3887523, MONDO:0008723, OMIM 201475.

Submission:

Labcorp Genetics (formerly Invitae), Labcorp
Classification: Pathogenic for Very long chain acyl-CoA dehydrogenase deficiency. Last evaluated: 2023-05-09. Review status: criteria provided, single submitter. Criteria: Invitae Variant Classification Sherloc (09022015). Collection method: clinical testing. Allele origin: germline.
Comment: For these reasons, this variant has been classified as Pathogenic. ClinVar contains an entry for this variant (Variation ID: 2018799). This variant has not been reported in the literature in individuals affected with ACADVL-related conditions. This variant is not present in population databases (gnomAD no frequency). This sequence change creates a premature translational stop signal (p.Leu136Profs*14) in the ACADVL gene. It is expected to result in an absent or disrupted protein product. Loss-of-function variants in ACADVL are known to be pathogenic (PMID: 9973285, 11590124).

Literature cited by the submitters: PubMed 9973285; PubMed 11590124.

NM_000018.4(ACADVL):c.401dup (p.Leu136fs)

Gene: ACADVL (acyl-CoA dehydrogenase very long chain; plus strand). Cytogenetic location: 17p13.1.
Variant type: Duplication.
Coding change: c.401dup on transcript NM_000018.4 (MANE Select); coding-DNA position 401, one base duplicated (A; older notation c.401dupA).
Protein change: p.Leu136fs; shifts the reading frame from leucine 136.
Molecular consequence: frameshift variant.
Genome position (GRCh38, 1-based): chr17:7,220,982, A duplicated. VCF-style (leftmost placement, unchanged base first): chr17-7220981-C-CA. GRCh37 (hg19) VCF-style: chr17-7124300-C-CA.
Other names: c.335dup, p.Leu114fs (NM_001033859.3); c.470dup, p.Leu159fs (NM_001270447.2); c.173dup, p.Leu60fs (NM_001270448.2); short protein forms L159fs, L60fs, L114fs, L136fs.
Identifiers: ClinVar variation 2018799 (VCV002018799.4), dbSNP rs2071184414, ClinGen allele CA2245699216.
Genomic context (GRCh38, chr17:7,220,981, plus strand): 5'-CAGGAAGTGAACGATCCCGCCAAGAATGACGCTCTGGAGATGGTGGAGGAGACCACTTGG[C>CA]AGGGCCTCAAGGAGCTGGGGGCCTTTGGTCTGCAAGTGCCCAGTGAGCTGGGTGGTGTGG-3'